The following is an entry in ClinVar:

ClinVar aggregate classification (germline): Uncertain significance (1 of 4 stars; one submission).

Conditions:
Hereditary cancer-predisposing syndrome. Also called: Tumor predisposition; Hereditary Cancer Syndrome; Neoplastic Syndromes, Hereditary; Hereditary neoplastic syndrome. Identifiers: Orphanet 140162, MedGen C0027672, MeSH D009386, MONDO:0015356.

Submission:

Ambry Genetics
Classification: Uncertain significance for Hereditary cancer-predisposing syndrome. Last evaluated: 2019-06-06. Review status: criteria provided, single submitter. Criteria: Ambry Variant Classification Scheme 2023. Collection method: clinical testing. Allele origin: germline.
Comment: The p.D863V variant (also known as c.2588A>T), located in coding exon 16 of the ATM gene, results from an A to T substitution at nucleotide position 2588. The aspartic acid at codon 863 is replaced by valine, an amino acid with highly dissimilar properties. This amino acid position is poorly conserved in available vertebrate species. In addition, this alteration is predicted to be tolerated by in silico analysis. Since supporting evidence is limited at this time, the clinical significance of this alteration remains unclear.

NM_000051.4(ATM):c.2588A>T (p.Asp863Val)

Gene: ATM (ATM serine/threonine kinase; plus strand). Cytogenetic location: 11q22.3.
Variant type: single nucleotide variant.
Coding change: c.2588A>T on transcript NM_000051.4 (MANE Select); coding-DNA position 2588, A replaced by T.
Protein change: p.Asp863Val; replaces aspartic acid 863 with valine.
Molecular consequence: missense variant.
Genome position (GRCh38, 1-based): chr11:108,267,292, A>T. VCF-style: chr11-108267292-A-T. GRCh37 (hg19) VCF-style: chr11-108138019-A-T.
Other names: c.2588A>T, p.Asp863Val (NM_001351834.2); short protein forms D863V.
Identifiers: ClinVar variation 821531 (VCV000821531.4), dbSNP rs1591588390, ClinGen allele CA382543996.